The following is an entry in ClinVar:

ClinVar aggregate classification (germline): Likely benign (0 of 4 stars; one submission).

Conditions:
PIBF1-related disorder. Also called: PIBF1-related condition.

Allele frequency attached by ClinVar (database versions not stated): gnomAD exomes 0.00002; ExAC 0.00011; gnomAD 0.00026; TOPMed 0.00032; ESP Exome Variant Server 0.00062.
gnomAD v4.1: 66 of 1,593,440 alleles (0.0041%); highest among the groups gnomAD compares: African/African-American, 0.08%; no homozygotes.

Submission:

PreventionGenetics, part of Exact Sciences
Classification: Likely benign for PIBF1-related condition. Last evaluated: 2019-07-10. Review status: no assertion criteria provided. Collection method: clinical testing. Allele origin: germline.
Comment: This variant is classified as likely benign based on ACMG/AMP sequence variant interpretation guidelines (Richards et al. 2015 PMID: 25741868, with internal and published modifications).

NM_006346.4(PIBF1):c.1479A>G (p.Lys493=)

Gene: PIBF1 (progesterone immunomodulatory binding factor 1; plus strand). Cytogenetic location: 13q22.1.
Variant type: single nucleotide variant.
Coding change: c.1479A>G on transcript NM_006346.4 (MANE Select); coding-DNA position 1479, A replaced by G.
Protein change: p.Lys493=; no amino-acid change (lysine 493 retained).
Molecular consequence: synonymous variant. On other transcripts: non-coding transcript variant (2).
Genome position (GRCh38, 1-based): chr13:72,893,940, A>G. VCF-style: chr13-72893940-A-G. GRCh37 (hg19) VCF-style: chr13-73468078-A-G.
Other names: c.1566A>G, p.Lys522= (NM_001349655.2).
Identifiers: ClinVar variation 3049813 (VCV003049813.2), dbSNP rs140693004, ClinGen allele CA7002270.